The following is an entry in ClinVar:

ClinVar aggregate classification (germline): Uncertain significance (1 of 4 stars; one submission).

Conditions:
Leber congenital amaurosis 13 (LCA13). Identifiers: MedGen C2675186, MONDO:0012990, OMIM 612712.

Submission:

Labcorp Genetics (formerly Invitae), Labcorp
Classification: Uncertain significance for Leber congenital amaurosis 13. Last evaluated: 2022-12-14. Review status: criteria provided, single submitter. Criteria: Invitae Variant Classification Sherloc (09022015). Collection method: clinical testing. Allele origin: germline.
Comment: In summary, the available evidence is currently insufficient to determine the role of this variant in disease. Therefore, it has been classified as a Variant of Uncertain Significance. Advanced modeling of protein sequence and biophysical properties (such as structural, functional, and spatial information, amino acid conservation, physicochemical variation, residue mobility, and thermodynamic stability) performed at Invitae indicates that this missense variant is expected to disrupt RDH12 protein function. This sequence change replaces alanine, which is neutral and non-polar, with proline, which is neutral and non-polar, at codon 79 of the RDH12 protein (p.Ala79Pro). The frequency data for this variant in the population databases is considered unreliable, as metrics indicate poor data quality at this position in the gnomAD database. This variant has not been reported in the literature in individuals affected with RDH12-related conditions.

NM_152443.3(RDH12):c.235G>C (p.Ala79Pro)

Genes: RDH12 (retinol dehydrogenase 12; plus strand), GPHN (gephyrin; plus strand). Cytogenetic location: 14q24.1.
Variant type: single nucleotide variant.
Coding change: c.235G>C on transcript NM_152443.3 (MANE Select); coding-DNA position 235, G replaced by C.
Protein change: p.Ala79Pro; replaces alanine 79 with proline.
Molecular consequence: missense variant.
Genome position (GRCh38, 1-based): chr14:67,725,146, G>C. VCF-style: chr14-67725146-G-C. GRCh37 (hg19) VCF-style: chr14-68191863-G-C.
Other names: short protein forms A79P.
Identifiers: ClinVar variation 2780369 (VCV002780369.3), dbSNP rs1193218624, ClinGen allele CA390148575.
Genomic context (GRCh38, chr14:67,725,146, plus strand): 5'-GTCTTGGACCCAGGAGCCCGAGTCTATATTGCCTGCAGAGATGTACTGAAGGGGGAGTCT[G>C]CTGCCAGTGAAATCCGAGTGGATACAAAGAACTCCCAGGTGCTGGTGCGGAAATTGGACC-3'
Protein context (NP_689656.2, residues 69-89): ACRDVLKGES[Ala79Pro]ASEIRVDTKN